The following is an entry in ClinVar:

ClinVar aggregate classification (germline): Uncertain significance (1 of 4 stars; one submission).

Conditions:
Deficiency of ferroxidase (ACEP). Also called: Ceruloplasmin deficiency; Familial apoceruloplasmin deficiency; Hereditary ceruloplasmin deficiency; Deficiency of ceruloplasmin; NEURODEGENERATION WITH BRAIN IRON ACCUMULATION 10; Aceruloplasminemia. Identifiers: Orphanet 48818, MedGen C0878682, MONDO:0011426, OMIM 604290, HP:0025498.

Allele frequency attached by ClinVar (database versions not stated): gnomAD exomes below 0.00001 and 0.00001; ExAC 0.00002; gnomAD 0.00002 and 0.00004; TOPMed 0.00002.
gnomAD v4.1: 5 of 1,613,966 alleles (0.00031%); highest among the groups gnomAD compares: African/African-American, 0.0067%; no homozygotes.

Submission:

Labcorp Genetics (formerly Invitae), Labcorp
Classification: Uncertain significance for Deficiency of ferroxidase. Last evaluated: 2021-06-10. Review status: criteria provided, single submitter. Criteria: Invitae Variant Classification Sherloc (09022015). Collection method: clinical testing. Allele origin: germline.
Comment: In summary, the available evidence is currently insufficient to determine the role of this variant in disease. Therefore, it has been classified as a Variant of Uncertain Significance. Algorithms developed to predict the effect of missense changes on protein structure and function (SIFT, PolyPhen-2, Align-GVGD) all suggest that this variant is likely to be tolerated, but these predictions have not been confirmed by published functional studies and their clinical significance is uncertain. This variant has not been reported in the literature in individuals with CP-related conditions. The frequency data for this variant in the population databases is considered unreliable, as metrics indicate poor data quality at this position in the ExAC database. This sequence change replaces alanine with serine at codon 470 of the CP protein (p.Ala470Ser). The alanine residue is weakly conserved and there is a moderate physicochemical difference between alanine and serine.

NM_000096.4(CP):c.1408G>T (p.Ala470Ser)

Gene: CP (ceruloplasmin; minus strand). Cytogenetic location: 3q24.
Variant type: single nucleotide variant.
Coding change: c.1408G>T on transcript NM_000096.4 (MANE Select); coding-DNA position 1408, G replaced by T.
Protein change: p.Ala470Ser; replaces alanine 470 with serine.
Molecular consequence: missense variant. On other transcripts: non-coding transcript variant (1).
Genome position (GRCh38, 1-based): chr3:149,199,805, C>A on the plus strand (G>T on the coding strand, the complement: CP is on the minus strand). VCF-style: chr3-149199805-C-A. GRCh37 (hg19) VCF-style: chr3-148917592-C-A.
Other names: short protein forms A470S.
Identifiers: ClinVar variation 1413640 (VCV001413640.6), dbSNP rs781567080, ClinGen allele CA2661030.